The following is an entry in ClinVar:

NM_013444.4(UBQLN2):c.823A>C (p.Ile275Leu)

Gene: UBQLN2 (ubiquilin 2; plus strand). Cytogenetic location: Xp11.21.
Variant type: single nucleotide variant.
Coding change: c.823A>C on transcript NM_013444.4 (MANE Select); coding-DNA position 823, A replaced by C.
Protein change: p.Ile275Leu; replaces isoleucine 275 with leucine.
Molecular consequence: missense variant.
Genome position (GRCh38, 1-based): chrX:56,564,696, A>C. VCF-style: chrX-56564696-A-C. GRCh37 (hg19) VCF-style: chrX-56591129-A-C.
Other names: short protein forms I275L.
Identifiers: ClinVar variation 2710405 (VCV002710405.3), dbSNP rs2519962383, ClinGen allele CA413379226.
Genomic context (GRCh38, chrX:56,564,696, plus strand): 5'-CTTAGCAATCTAGAAAGCATCCCAGGTGGCTATAATGCTTTACGGCGCATGTACACTGAC[A>C]TTCAAGAGCCGATGCTGAATGCCGCACAAGAGCAGTTTGGGGGTAATCCATTTGCCTCCG-3'
Protein context (NP_038472.2, residues 265-285): YNALRRMYTD[Ile275Leu]QEPMLNAAQE

ClinVar aggregate classification (germline): Uncertain significance (1 of 4 stars; one submission).

Conditions:
Amyotrophic lateral sclerosis type 15. Also called: AMYOTROPHIC LATERAL SCLEROSIS 15 WITH FRONTOTEMPORAL DEMENTIA. Identifiers: Orphanet 803, MedGen C3275459, MONDO:0010459, OMIM 300857.

Submission:

Labcorp Genetics (formerly Invitae), Labcorp
Classification: Uncertain significance for Amyotrophic lateral sclerosis type 15. Last evaluated: 2024-01-19. Review status: criteria provided, single submitter. Criteria: Invitae Variant Classification Sherloc (09022015). Collection method: clinical testing. Allele origin: germline.
Comment: This sequence change replaces isoleucine, which is neutral and non-polar, with leucine, which is neutral and non-polar, at codon 275 of the UBQLN2 protein (p.Ile275Leu). This variant is not present in population databases (gnomAD no frequency). This variant has not been reported in the literature in individuals affected with UBQLN2-related conditions. Advanced modeling of protein sequence and biophysical properties (such as structural, functional, and spatial information, amino acid conservation, physicochemical variation, residue mobility, and thermodynamic stability) performed at Invitae indicates that this missense variant is not expected to disrupt UBQLN2 protein function with a negative predictive value of 80%. In summary, the available evidence is currently insufficient to determine the role of this variant in disease. Therefore, it has been classified as a Variant of Uncertain Significance.